The following is an entry in ClinVar:

NM_032380.5(GFM2):c.1001A>G (p.Lys334Arg)

Gene: GFM2 (GTP dependent ribosome recycling factor mitochondrial 2; minus strand). Cytogenetic location: 5q13.3.
Variant type: single nucleotide variant.
Coding change: c.1001A>G on transcript NM_032380.5 (MANE Select); coding-DNA position 1001, A replaced by G.
Protein change: p.Lys334Arg; replaces lysine 334 with arginine.
Molecular consequence: missense variant. On other transcripts: non-coding transcript variant (1).
Genome position (GRCh38, 1-based): chr5:74,740,067, T>C on the plus strand (A>G on the coding strand, the complement: GFM2 is on the minus strand). VCF-style: chr5-74740067-T-C. GRCh37 (hg19) VCF-style: chr5-74035892-T-C.
Other names: p.K334R:AAA>AGA; c.1097A>G, p.Lys366Arg (NM_001281302.2); c.1001A>G, p.Lys334Arg (NM_170681.3, NM_170691.3); short protein forms K334R, K366R.
Identifiers: ClinVar variation 214518 (VCV000214518.14), dbSNP rs35541495, ClinGen allele CA324923.

ClinVar aggregate classification (germline): Benign/Likely benign. Review status: criteria provided, multiple submitters, no conflicts (2 of 4 stars). 4 submissions from 4 submitters: Benign (3); Likely benign (1). Last evaluated 2025-12-30.

Allele frequency attached by ClinVar (database versions not stated): gnomAD exomes 0.00036 and 0.00094; ExAC 0.00112; 1000 Genomes Project 0.00280; 1000 Genomes Project 30x 0.00281; ESP Exome Variant Server 0.00346; gnomAD 0.00401 and 0.00433; TOPMed 0.00440.
gnomAD v4.1: 1,154 of 1,607,114 alleles (0.072%); highest among the groups gnomAD compares: African/African-American, 1.4%; 7 homozygotes.

Submissions (4):

Labcorp Genetics (formerly Invitae), Labcorp
Classification: Benign. Last evaluated: 2025-12-30. Review status: criteria provided, single submitter. Criteria: Invitae Variant Classification Sherloc (09022015). Collection method: clinical testing. Allele origin: germline.

Blueprint Genetics
Classification: Likely benign. Last evaluated: 2024-03-26. Review status: criteria provided, single submitter. Criteria: ACMG Guidelines, 2015. Collection method: clinical testing. Allele origin: germline.

GeneDx
Classification: Benign. Last evaluated: 2019-08-16. Review status: criteria provided, single submitter. Criteria: GeneDx Variant Classification Process June 2021. Collection method: clinical testing. Allele origin: germline. Affected: yes.
Comment: This variant is associated with the following publications: (PMID: 22719265)

Breakthrough Genomics
Classification: Benign. Review status: criteria provided, single submitter. Criteria: ACMG Guidelines, 2015. Collection method: not provided. Allele origin: germline. Inheritance: Autosomal recessive inheritance. Affected: yes.